The following is an entry in ClinVar:

NM_000059.4(BRCA2):c.5821A>G (p.Lys1941Glu)

Gene: BRCA2 (BRCA2 DNA repair associated; plus strand). Cytogenetic location: 13q13.1.
Variant type: single nucleotide variant.
Coding change: c.5821A>G on transcript NM_000059.4 (MANE Select); coding-DNA position 5821, A replaced by G.
Protein change: p.Lys1941Glu; replaces lysine 1941 with glutamic acid.
Molecular consequence: missense variant.
Genome position (GRCh38, 1-based): chr13:32,340,176, A>G. VCF-style: chr13-32340176-A-G. GRCh37 (hg19) VCF-style: chr13-32914313-A-G.
Other names: short protein forms K1941E.
Identifiers: ClinVar variation 825995 (VCV000825995.9), dbSNP rs1555284411, ClinGen allele CA387787288.
Genomic context (GRCh38, chr13:32,340,176, plus strand): 5'-TTTGCTGACATTCAGAGTGAAGAAATTTTACAACATAACCAAAATATGTCTGGATTGGAG[A>G]AAGTTTCTAAAATATCACCTTGTGATGTTAGTTTGGAAACTTCAGATATATGTAAATGTA-3'
Protein context (NP_000050.3, residues 1931-1951): QHNQNMSGLE[Lys1941Glu]VSKISPCDVS

ClinVar aggregate classification (germline): Conflicting classifications of pathogenicity. Review status: criteria provided, conflicting classifications (1 of 4 stars). 5 submissions from 5 submitters: Uncertain significance (4); Likely benign (1). Last evaluated 2023-11-16.

Conditions:
Hereditary cancer-predisposing syndrome. Also called: Neoplastic Syndromes, Hereditary; Tumor predisposition; Hereditary neoplastic syndrome; Hereditary Cancer Syndrome. Identifiers: Orphanet 140162, MedGen C0027672, MeSH D009386, MONDO:0015356.
Hereditary breast ovarian cancer syndrome. Also called: Hereditary breast and ovarian cancer syndrome; Hereditary breast and ovarian cancer; Hereditary breast and ovarian cancer syndrome (HBOC); Breast and ovarian cancer; Hereditary breast and/or ovarian cancer syndrome; BRCA1- and BRCA2-Associated Hereditary Breast and Ovarian Cancer. Identifiers: Orphanet 145, MedGen C0677776, MeSH D061325, MONDO:0003582. Disease mechanism: loss of function.

Submissions (5):

Ambry Genetics
Classification: Uncertain significance for Hereditary cancer-predisposing syndrome. Last evaluated: 2023-11-16. Review status: criteria provided, single submitter. Criteria: Ambry Variant Classification Scheme 2023. Collection method: clinical testing. Allele origin: germline.
Comment: The p.K1941E variant (also known as c.5821A>G), located in coding exon 10 of the BRCA2 gene, results from an A to G substitution at nucleotide position 5821. The lysine at codon 1941 is replaced by glutamic acid, an amino acid with similar properties. This amino acid position is poorly conserved in available vertebrate species. In addition, this alteration is predicted to be tolerated by in silico analysis. Since supporting evidence is limited at this time, the clinical significance of this alteration remains unclear.

Quest Diagnostics Nichols Institute San Juan Capistrano
Classification: Uncertain significance. Last evaluated: 2023-06-16. Review status: criteria provided, single submitter. Criteria: Quest Diagnostics criteria. Collection method: clinical testing. Allele origin: unknown.
Comment: In the published literature, this variant has been reported to be located in a region of the BRCA2 gene that is tolerant of missense changes (PMID: 31911673 (2020)). This variant has not been reported in large, multi-ethnic general populations (Genome Aggregation Database). Analysis of this variant using bioinformatics tools for the prediction of the effect of amino acid changes on protein structure and function yielded predictions that this variant is benign. Based on the available information, we are unable to determine the clinical significance of this variant.

University of Washington Department of Laboratory Medicine, University of Washington
Classification: Likely benign for Hereditary cancer-predisposing syndrome. Last evaluated: 2023-03-23. Review status: criteria provided, single submitter. Criteria: Dines et al. (Genet Med. 2020). Collection method: curation. Allele origin: germline.
Comment: Missense variant in a coldspot region where missense variants are very unlikely to be pathogenic (PMID:31911673).

BRCA2 exon 11 coldspot. Reclassification based on statistical prior probability.

Labcorp Genetics (formerly Invitae), Labcorp
Classification: Uncertain significance for Hereditary breast ovarian cancer syndrome. Last evaluated: 2022-08-30. Review status: criteria provided, single submitter. Criteria: Invitae Variant Classification Sherloc (09022015). Collection method: clinical testing. Allele origin: germline.
Comment: This sequence change replaces lysine, which is basic and polar, with glutamic acid, which is acidic and polar, at codon 1941 of the BRCA2 protein (p.Lys1941Glu). This variant is not present in population databases (gnomAD no frequency). This variant has not been reported in the literature in individuals affected with BRCA2-related conditions. ClinVar contains an entry for this variant (Variation ID: 825995). Advanced modeling of protein sequence and biophysical properties (such as structural, functional, and spatial information, amino acid conservation, physicochemical variation, residue mobility, and thermodynamic stability) performed at Invitae indicates that this missense variant is not expected to disrupt BRCA2 protein function. In summary, the available evidence is currently insufficient to determine the role of this variant in disease. Therefore, it has been classified as a Variant of Uncertain Significance.

Women's Health and Genetics/Laboratory Corporation of America, LabCorp
Classification: Uncertain significance. Last evaluated: 2021-04-19. Review status: criteria provided, single submitter. Criteria: LabCorp Variant Classification Summary - May 2015. Collection method: clinical testing. Allele origin: germline.
Comment: Variant summary: BRCA2 c.5821A>G (p.Lys1941Glu) results in a conservative amino acid change in the encoded protein sequence. Five of five in-silico tools predict a benign effect of the variant on protein function. The variant was absent in 250816 control chromosomes (gnomAD). The available data on variant occurrences in the general population are insufficient to allow any conclusion about variant significance. To our knowledge, no occurrence of c.5821A>G in individuals affected with Hereditary Breast And Ovarian Cancer Syndrome and no experimental evidence demonstrating its impact on protein function have been reported. One ClinVar submitter (evaluation after 2014) cites the variant as uncertain significance. Based on the evidence outlined above, the variant was classified as uncertain significance.

Literature cited by the submitters: PubMed 31911673 (cited by Quest Diagnostics Nichols Institute San Juan Capistrano).